The following is an entry in ClinVar:

NM_003356.4(UCP3):c.419T>G (p.Val140Gly)

Gene: UCP3 (uncoupling protein 3; minus strand). Cytogenetic location: 11q13.4.
Variant type: single nucleotide variant.
Coding change: c.419T>G on transcript NM_003356.4 (MANE Select); coding-DNA position 419, T replaced by G.
Protein change: p.Val140Gly; replaces valine 140 with glycine.
Molecular consequence: missense variant.
Genome position (GRCh38, 1-based): chr11:74,005,852, A>C on the plus strand (T>G on the coding strand, the complement: UCP3 is on the minus strand). VCF-style: chr11-74005852-A-C. GRCh37 (hg19) VCF-style: chr11-73716897-A-C.
Other names: c.419T>G, p.Val140Gly (NM_022803.3); short protein forms V140G.
Identifiers: ClinVar variation 3348169 (VCV003348169.1).
Genomic context (GRCh38, chr11:74,005,852, plus strand): 5'-CTGTATTTTCTGTCGCTCCTGGATGGCCCGAGGTGTATGCTGGCCTGAAATCGGACCTTC[A>C]CCACATCTGTGGGCTGGGCACAGGTCACCGCCATGGCTCCTGTGGTGCAGCCGGCCAAAA-3'
Protein context (NP_003347.1, residues 130-150): AVTCAQPTDV[Val140Gly]KVRFQASIHL

ClinVar aggregate classification (germline): Uncertain significance (0 of 4 stars; one submission).

Conditions:
UCP3-related disorder. Also called: UCP3-related condition.

Submission:

PreventionGenetics, part of Exact Sciences
Classification: Uncertain significance for UCP3-related condition. Last evaluated: 2023-12-07. Review status: no assertion criteria provided. Collection method: clinical testing. Allele origin: germline.
Comment: The UCP3 c.419T>G variant is predicted to result in the amino acid substitution p.Val140Gly. To our knowledge, this variant has not been reported in the literature or in a large population database, indicating this variant is rare. At this time, the clinical significance of this variant is uncertain due to the absence of conclusive functional and genetic evidence.